The following is an entry in ClinVar:

ClinVar aggregate classification (germline): Uncertain significance (1 of 4 stars; one submission).

Submission:

GeneDx
Classification: Uncertain significance. Last evaluated: 2022-03-08. Review status: criteria provided, single submitter. Criteria: GeneDx Variant Classification Process June 2021. Collection method: clinical testing. Allele origin: germline. Affected: yes.
Comment: Not observed at significant frequency in large population cohorts (gnomAD); In silico analysis supports that this missense variant has a deleterious effect on protein structure/function; Has not been previously published as pathogenic or benign to our knowledge

NM_000052.7(ATP7A):c.2711C>T (p.Ala904Val)

Gene: ATP7A (ATPase copper transporting alpha; plus strand). Cytogenetic location: Xq21.1.
Variant type: single nucleotide variant.
Coding change: c.2711C>T on transcript NM_000052.7 (MANE Select); coding-DNA position 2711, C replaced by T.
Protein change: p.Ala904Val; replaces alanine 904 with valine.
Molecular consequence: missense variant.
Genome position (GRCh38, 1-based): chrX:78,020,328, C>T. VCF-style: chrX-78020328-C-T. GRCh37 (hg19) VCF-style: chrX-77275825-C-T.
Other names: c.2477C>T, p.Ala826Val (NM_001282224.2); short protein forms A826V, A904V.
Identifiers: ClinVar variation 1704668 (VCV001704668.2), dbSNP rs2522372741, ClinGen allele CA413602522.